The following is an entry in ClinVar:

ClinVar aggregate classification (germline): Uncertain significance. Review status: criteria provided, multiple submitters, no conflicts (2 of 4 stars). 2 submissions from 2 submitters: Uncertain significance (2). Last evaluated 2025-05-07.

Conditions:
Inborn genetic diseases. Identifiers: MedGen C0950123, MeSH D030342.
Neonatal-onset encephalopathy with rigidity and seizures. Also called: Lethal neonatal spasticity-epileptic encephalopathy syndrome. Identifiers: Orphanet 435845, MedGen C3281029, MONDO:0013784, OMIM 614498.

Allele frequency attached by ClinVar (database versions not stated): gnomAD exomes 0.00001 and 0.00002; ExAC 0.00002.

Submissions (2):

Ambry Genetics
Classification: Uncertain significance for Inborn genetic diseases. Last evaluated: 2025-05-07. Review status: criteria provided, single submitter. Criteria: Ambry Variant Classification Scheme 2023. Collection method: clinical testing. Allele origin: germline.

Labcorp Genetics (formerly Invitae), Labcorp
Classification: Uncertain significance for Neonatal-onset encephalopathy with rigidity and seizures. Last evaluated: 2024-09-16. Review status: criteria provided, single submitter. Criteria: Invitae Variant Classification Sherloc (09022015). Collection method: clinical testing. Allele origin: germline.
Comment: This sequence change replaces alanine, which is neutral and non-polar, with proline, which is neutral and non-polar, at codon 345 of the BRAT1 protein (p.Ala345Pro). This variant is present in population databases (rs775259403, gnomAD 0.02%). This variant has not been reported in the literature in individuals affected with BRAT1-related conditions. ClinVar contains an entry for this variant (Variation ID: 1467104). Invitae Evidence Modeling of protein sequence and biophysical properties (such as structural, functional, and spatial information, amino acid conservation, physicochemical variation, residue mobility, and thermodynamic stability) indicates that this missense variant is not expected to disrupt BRAT1 protein function with a negative predictive value of 80%. In summary, the available evidence is currently insufficient to determine the role of this variant in disease. Therefore, it has been classified as a Variant of Uncertain Significance.

NM_152743.4(BRAT1):c.1033G>C (p.Ala345Pro)

Gene: BRAT1 (BRCA1 associated ATM activator 1; minus strand). Cytogenetic location: 7p22.3.
Variant type: single nucleotide variant.
Coding change: c.1033G>C on transcript NM_152743.4 (MANE Select); coding-DNA position 1033, G replaced by C.
Protein change: p.Ala345Pro; replaces alanine 345 with proline.
Molecular consequence: missense variant. On other transcripts: non-coding transcript variant (1).
Genome position (GRCh38, 1-based): chr7:2,541,819, C>G on the plus strand (G>C on the coding strand, the complement: BRAT1 is on the minus strand). VCF-style: chr7-2541819-C-G. GRCh37 (hg19) VCF-style: chr7-2581453-C-G.
Other names: c.1033G>C, p.Ala345Pro (NM_001350626.2); c.508G>C, p.Ala170Pro (NM_001350627.2); c.1033G>C (NM_152743.3); short protein forms A345P, A170P.
Identifiers: ClinVar variation 1467104 (VCV001467104.9), dbSNP rs775259403, ClinGen allele CA4127957.